The following is an entry in ClinVar:

ClinVar aggregate classification (germline): Uncertain significance (1 of 4 stars; one submission).

Conditions:
Inborn genetic diseases. Identifiers: MedGen C0950123, MeSH D030342.

Submission:

Ambry Genetics
Classification: Uncertain significance for Inborn genetic diseases. Last evaluated: 2022-02-27. Review status: criteria provided, single submitter. Criteria: Ambry Variant Classification Scheme 2023. Collection method: clinical testing. Allele origin: germline.
Comment: The p.L81S variant (also known as c.242T>C), located in coding exon 3 of the RAD51 gene, results from a T to C substitution at nucleotide position 242. The leucine at codon 81 is replaced by serine, an amino acid with dissimilar properties. This amino acid position is conserved. In addition, this alteration is predicted to be deleterious by in silico analysis. Since supporting evidence is limited at this time, the clinical significance of this alteration remains unclear.

NM_002875.5(RAD51):c.242T>C (p.Leu81Ser)

Gene: RAD51 (RAD51 recombinase; plus strand). Cytogenetic location: 15q15.1.
Variant type: single nucleotide variant.
Coding change: c.242T>C on transcript NM_002875.5 (MANE Select); coding-DNA position 242, T replaced by C.
Protein change: p.Leu81Ser; replaces leucine 81 with serine.
Molecular consequence: missense variant. On other transcripts: intron variant (2).
Genome position (GRCh38, 1-based): chr15:40,706,193, T>C. VCF-style: chr15-40706193-T-C. GRCh37 (hg19) VCF-style: chr15-40998391-T-C.
Other names: c.242T>C, p.Leu81Ser (NM_001164270.2); c.347-2832T>C (NM_133487.4, NM_001164269.2); short protein forms L81S.
Identifiers: ClinVar variation 1791156 (VCV001791156.2), dbSNP rs2504436330, ClinGen allele CA391749386.